The following is an entry in ClinVar:

ClinVar aggregate classification (germline): Uncertain significance (1 of 4 stars; one submission).

Conditions:
Dyskeratosis congenita, autosomal dominant 6 (DKCA6). Identifiers: Orphanet 3322, MedGen C4225284, MONDO:0014690, OMIM 616553.

Submission:

Labcorp Genetics (formerly Invitae), Labcorp
Classification: Uncertain significance for Dyskeratosis congenita, autosomal dominant 6. Last evaluated: 2023-10-03. Review status: criteria provided, single submitter. Criteria: Invitae Variant Classification Sherloc (09022015). Collection method: clinical testing. Allele origin: germline.
Comment: This sequence change replaces glycine, which is neutral and non-polar, with alanine, which is neutral and non-polar, at codon 149 of the ACD protein (p.Gly149Ala). This variant is not present in population databases (gnomAD no frequency). This variant has not been reported in the literature in individuals affected with ACD-related conditions. ClinVar contains an entry for this variant (Variation ID: 2170776). Advanced modeling of protein sequence and biophysical properties (such as structural, functional, and spatial information, amino acid conservation, physicochemical variation, residue mobility, and thermodynamic stability) performed at Invitae indicates that this missense variant is expected to disrupt ACD protein function. In summary, the available evidence is currently insufficient to determine the role of this variant in disease. Therefore, it has been classified as a Variant of Uncertain Significance.

NM_001082486.2(ACD):c.188G>C (p.Gly63Ala)

Gene: ACD (ACD shelterin complex subunit and telomerase recruitment factor; minus strand). Cytogenetic location: 16q22.1.
Variant type: single nucleotide variant.
Coding change: c.188G>C on transcript NM_001082486.2 (MANE Select); coding-DNA position 188, G replaced by C.
Protein change: p.Gly63Ala; replaces glycine 63 with alanine.
Molecular consequence: missense variant.
Genome position (GRCh38, 1-based): chr16:67,659,957, C>G on the plus strand (G>C on the coding strand, the complement: ACD is on the minus strand). VCF-style: chr16-67659957-C-G. GRCh37 (hg19) VCF-style: chr16-67693860-C-G.
Other names: c.188G>C, p.Gly63Ala (NM_001410884.1); c.179G>C, p.Gly60Ala (NM_022914.3); short protein forms G60A, G63A.
Identifiers: ClinVar variation 2170776 (VCV002170776.4), dbSNP rs2543610267, ClinGen allele CA396356690.